The following is an entry in ClinVar:

NM_144670.6(A2ML1):c.710_711insTTTTTTTTTTTTNNNNNNNNNNNNNNNNGGAGGGGGAGGAGCAGGGCAGGGCACACCAGGAATCTTTCTT (p.Leu237fs)

Gene: A2ML1 (alpha-2-macroglobulin like 1; plus strand). Cytogenetic location: 12p13.31.
Variant type: Insertion.
Coding change: c.710_711insTTTTTTTTTTTTNNNNNNNNNNNNNNNNGGAGGGGGAGGAGCAGGGCAGGGCACACCAGGAATCTTTCTT on transcript NM_144670.6 (MANE Select); coding-DNA positions 710 to 711, TTTTTTTTTTTTNNNNNNNNNNNNNNNNGGAGGGGGAGGAGCAGGGCAGGGCACACCAGGAATCTTTCTT inserted.
Protein change: p.Leu237fs; shifts the reading frame from leucine 237.
Molecular consequence: frameshift variant.
Genome position: GRCh38: chr12:8,836,321-8,836,322. GRCh37 (hg19): chr12:8,988,917-8,988,918.
Other names: short protein forms L237fs.
Identifiers: ClinVar variation 4735134 (VCV004735134.1).

ClinVar aggregate classification (germline): Uncertain significance (1 of 4 stars; one submission).

Submission:

Labcorp Genetics (formerly Invitae), Labcorp
Classification: Uncertain significance. Last evaluated: 2026-01-11. Review status: criteria provided, single submitter. Criteria: Invitae Variant Classification Sherloc (09022015). Collection method: clinical testing. Allele origin: germline.
Comment: This sequence change inserts a large fragment of DNA, likely a transposable element, in exon 7 of the A2ML1 gene (c.710_711ins?), causing a frameshift at codon 237 (p.Leu237fs). The exact size and sequence of the insertion cannot be determined by the current assay. However, the insertion is expected to result in an absent or disrupted protein product. This variant is not present in population databases (gnomAD no frequency). This variant has not been reported in the literature in individuals affected with A2ML1-related conditions. Retrotransposon insertions including LINE1 (L1), Alu, and SVA (SINE-VNTR-Alu) have been reported to disrupt protein function (PMID: 19763152, 20307669, 22406018). However the effect of this particular variant is unknown. In summary, the available evidence is currently insufficient to determine the role of this variant in disease. Therefore, it has been classified as a Variant of Uncertain Significance.

Literature cited by the submitters: PubMed 19763152; PubMed 20307669; PubMed 22406018.